The following is an entry in ClinVar:

ClinVar aggregate classification (germline): Uncertain significance (1 of 4 stars; one submission).

Conditions:
Multiple endocrine neoplasia, type 1 (MEN1). Also called: MEN I; WERMER SYNDROME; Endocrine adenomatosis multiple; MEN 1; MEA I. Identifiers: Orphanet 652, MedGen C0025267, MeSH D018761, MONDO:0007540, OMIM 131100.

Submission:

Labcorp Genetics (formerly Invitae), Labcorp
Classification: Uncertain significance for Multiple endocrine neoplasia, type 1. Last evaluated: 2022-11-03. Review status: criteria provided, single submitter. Criteria: Invitae Variant Classification Sherloc (09022015). Collection method: clinical testing. Allele origin: germline.
Comment: In summary, the available evidence is currently insufficient to determine the role of this variant in disease. Therefore, it has been classified as a Variant of Uncertain Significance. Algorithms developed to predict the effect of missense changes on protein structure and function (SIFT, PolyPhen-2, Align-GVGD) all suggest that this variant is likely to be tolerated. This variant has not been reported in the literature in individuals affected with MEN1-related conditions. This variant is not present in population databases (gnomAD no frequency). This sequence change replaces leucine, which is neutral and non-polar, with methionine, which is neutral and non-polar, at codon 324 of the MEN1 protein (p.Leu324Met).

NM_001370259.2(MEN1):c.970C>A (p.Leu324Met)

Gene: MEN1 (menin 1; minus strand). Cytogenetic location: 11q13.1.
Variant type: single nucleotide variant.
Coding change: c.970C>A on transcript NM_001370259.2 (MANE Select); coding-DNA position 970, C replaced by A.
Protein change: p.Leu324Met; replaces leucine 324 with methionine.
Molecular consequence: missense variant. On other transcripts: non-coding transcript variant (4).
Genome position (GRCh38, 1-based): chr11:64,806,311, G>T on the plus strand (C>A on the coding strand, the complement: MEN1 is on the minus strand). VCF-style: chr11-64806311-G-T. GRCh37 (hg19) VCF-style: chr11-64573783-G-T.
Other names: c.985C>A, p.Leu329Met (NM_000244.4, NM_001407145.1, NM_001407150.1 and 5 more transcripts); c.970C>A, p.Leu324Met (NM_001370251.2, NM_001370260.2, NM_001370261.2 and 7 more transcripts); c.865C>A, p.Leu289Met (NM_001370262.2, NM_001370263.2, NM_001407148.1 and 2 more transcripts); short protein forms L289M, L324M, L329M.
Identifiers: ClinVar variation 2811890 (VCV002811890.3), dbSNP rs2136120144, ClinGen allele CA381183337.
Genomic context (GRCh38, chr11:64,806,311, plus strand): 5'-TGTCCGCCCAGGCCTGCAGGGCTTCCCGCACATTGCGGTTGCGACAGTGGTAGCCAGCCA[G>T]GTACATGTAGGGGTAGATGTGTTCATCCCGATAGTAGGTCTTGGCTGAGGCAATGCCCTG-3'
Protein context (NP_001357188.2, residues 314-334): RDEHIYPYMY[Leu324Met]AGYHCRNRNV